The following is an entry in ClinVar:

ClinVar aggregate classification (germline): Pathogenic (1 of 4 stars; one submission).

Conditions:
Spermatogenic failure 9 (SPGF9). Also called: GLOBOZOOSPERMIA, COMPLETE; GLOBOZOOSPERMIA, TOTAL. Identifiers: Orphanet 171709, MedGen C3151407, MONDO:0013505, OMIM 613958.

Submission:

Juno Genomics, Hangzhou Juno Genomics, Inc
Classification: Pathogenic for Spermatogenic failure 9. Review status: criteria provided, single submitter. Criteria: ACMG Guidelines, 2015. Collection method: clinical testing. Allele origin: germline. Affected: yes.
Comment: Absent from controls (or at extremely low frequency if recessive) in Genome Aggregation Database.;Null variant in a gene where loss of function (LOF) is a known mechanism of disease.;For recessive disorders, detected in trans with a pathogenic variant.

NM_173812.5(DPY19L2):c.1622T>A (p.Leu541Ter)

Gene: DPY19L2 (dpy-19 like 2; minus strand). Cytogenetic location: 12q14.2.
Variant type: single nucleotide variant.
Coding change: c.1622T>A on transcript NM_173812.5 (MANE Select); coding-DNA position 1622, T replaced by A.
Protein change: p.Leu541Ter; replaces leucine 541 with a stop codon.
Molecular consequence: nonsense.
Genome position (GRCh38, 1-based): chr12:63,582,509, A>T on the plus strand (T>A on the coding strand, the complement: DPY19L2 is on the minus strand). VCF-style: chr12-63582509-A-T. GRCh37 (hg19) VCF-style: chr12-63976289-A-T.
Other names: short protein forms L541*.
Identifiers: ClinVar variation 5019981 (VCV005019981.1).